The following is an entry in ClinVar:

NM_001130987.2(DYSF):c.1033+43del

Gene: DYSF (dysferlin; plus strand). Cytogenetic location: 2p13.2.
Variant type: Deletion.
Coding change: c.1033+43del on transcript NM_001130987.2 (MANE Select); 43 bases into the intron after coding-DNA position 1033, one base deleted (T; older notation c.1033+43delT).
Molecular consequence: intron variant.
Genome position (GRCh38, 1-based): chr2:71,520,251, T deleted. VCF-style (leftmost placement, unchanged base first): chr2-71520250-CT-C. GRCh37 (hg19) VCF-style: chr2-71747380-CT-C.
Other names: c.1030+43del (NM_001130979.2, NM_001130981.2, NM_001130980.2); c.937+43del (NM_001130978.2, NM_003494.4, NM_001130977.2 and 1 more transcripts); c.1033+43del (NM_001130982.2, NM_001130985.2); c.940+43del (NM_001130983.2, NM_001130455.2, NM_001130984.2 and 1 more transcripts).
Identifiers: ClinVar variation 259088 (VCV000259088.2), dbSNP rs149875093, ClinGen allele CA1705580.

ClinVar aggregate classification (germline): Likely benign. Review status: criteria provided, multiple submitters, no conflicts (2 of 4 stars). 2 submissions from 2 submitters: Likely benign (2). Last evaluated 2018-06-14.

Allele frequency attached by ClinVar (database versions not stated): 1000 Genomes Project 0.02196; 1000 Genomes Project 30x 0.02295; ExAC 0.03379; gnomAD exomes 0.04673 and 0.03489; gnomAD 0.03610 and 0.03649; TOPMed 0.03660; ESP Exome Variant Server 0.04393.

Submissions (2):

GeneDx
Classification: Likely benign. Last evaluated: 2018-06-14. Review status: criteria provided, single submitter. Criteria: GeneDx Variant Classification (06012015). Collection method: clinical testing. Allele origin: germline. Affected: yes.
Comment: This variant is considered likely benign or benign based on one or more of the following criteria: it is a conservative change, it occurs at a poorly conserved position in the protein, it is predicted to be benign by multiple in silico algorithms, and/or has population frequency not consistent with disease.

PreventionGenetics, part of Exact Sciences
Classification: Likely benign. Review status: criteria provided, single submitter. Criteria: ACMG Guidelines, 2015. Collection method: clinical testing. Allele origin: germline.